The following is an entry in ClinVar:

ClinVar aggregate classification (germline): Uncertain significance. Review status: criteria provided, single submitter (1 of 4 stars). 2 submissions from 2 submitters: Uncertain significance (1). 1 of the submissions does not count toward it. Last evaluated 2024-11-11.

Conditions:
Alstrom syndrome (ALMS). Identifiers: Orphanet 64, MedGen C0268425, MONDO:0008763, OMIM 203800.

Allele frequency attached by ClinVar (database versions not stated): gnomAD exomes below 0.00001; gnomAD 0.00001; TOPMed 0.00001.
gnomAD v4.1: 2 of 1,613,728 alleles (0.00012%); highest among the groups gnomAD compares: Admixed American, 0.0033%; no homozygotes.

Submissions (2):

Labcorp Genetics (formerly Invitae), Labcorp
Classification: Uncertain significance for Alstrom syndrome. Last evaluated: 2024-11-11. Review status: criteria provided, single submitter. Criteria: Invitae Variant Classification Sherloc (09022015). Collection method: clinical testing. Allele origin: germline.
Comment: This sequence change replaces proline, which is neutral and non-polar, with serine, which is neutral and polar, at codon 2281 of the ALMS1 protein (p.Pro2281Ser). This variant is present in population databases (no rsID available, gnomAD 0.003%). This variant has not been reported in the literature in individuals affected with ALMS1-related conditions. ClinVar contains an entry for this variant (Variation ID: 529390). Experimental studies and prediction algorithms are not available or were not evaluated, and the functional significance of this variant is currently unknown. In summary, the available evidence is currently insufficient to determine the role of this variant in disease. Therefore, it has been classified as a Variant of Uncertain Significance.

Natera, Inc.
Classification: Uncertain significance for Alstrom syndrome. Last evaluated: 2020-12-04. Review status: no assertion criteria provided. Collection method: clinical testing. Allele origin: germline. Not counted in ClinVar's aggregate classification.

NM_001378454.1(ALMS1):c.6838C>T (p.Pro2280Ser)

Gene: ALMS1 (ALMS1 centrosome and basal body associated protein; plus strand). Cytogenetic location: 2p13.1.
Variant type: single nucleotide variant.
Coding change: c.6838C>T on transcript NM_001378454.1 (MANE Select); coding-DNA position 6838, C replaced by T.
Protein change: p.Pro2280Ser; replaces proline 2280 with serine.
Molecular consequence: missense variant.
Genome position (GRCh38, 1-based): chr2:73,453,365, C>T. VCF-style: chr2-73453365-C-T. GRCh37 (hg19) VCF-style: chr2-73680492-C-T.
Other names: c.6841C>T, p.Pro2281Ser (NM_015120.4); short protein forms P2281S, P2280S.
Identifiers: ClinVar variation 529390 (VCV000529390.12), dbSNP rs1273490920, ClinGen allele CA347289629.